The following is an entry in ClinVar:

NM_001267550.2(TTN):c.30893C>T (p.Ala10298Val)

Gene: TTN (titin; minus strand). Cytogenetic location: 2q31.2.
Variant type: single nucleotide variant.
Coding change: c.30893C>T on transcript NM_001267550.2 (MANE Select); coding-DNA position 30893, C replaced by T.
Protein change: p.Ala10298Val; replaces alanine 10298 with valine.
Molecular consequence: missense variant. On other transcripts: intron variant (3).
Genome position (GRCh38, 1-based): chr2:178,696,179, G>A on the plus strand (C>T on the coding strand, the complement: TTN is on the minus strand). VCF-style: chr2-178696179-G-A. GRCh37 (hg19) VCF-style: chr2-179560906-G-A.
Other names: c.29942C>T, p.Ala9981Val (NM_001256850.1); c.13282+41903C>T (NM_003319.4); c.13858+41903C>T (NM_133437.4); c.13657+41903C>T (NM_133432.3); c.27161C>T, p.Ala9054Val (NM_133378.4); short protein forms A10298V, A9054V, A9981V.
Identifiers: ClinVar variation 179497 (VCV000179497.7), dbSNP rs727504902, ClinGen allele CA184540.
Genomic context (GRCh38, chr2:178,696,179, plus strand): 5'-TCGAAAGATTCAATGAAGACTCTCTTCTCCTTGTGGACTGCTTGCTTTTTCTCATACACA[G>A]CTTCTTTTTCTTTCTGAACCTCTTTCTTTCTGGTTATAGTCATTATTTTTACTTCTTCAG-3'
Protein context (NP_001254479.2, residues 10288-10308): RKKEVQKEKE[Ala10298Val]VYEKKQAVHK

ClinVar aggregate classification (germline): Uncertain significance. Review status: criteria provided, multiple submitters, no conflicts (2 of 4 stars). 3 submissions from 3 submitters: Uncertain significance (3). Last evaluated 2024-03-05.

Conditions:
Autosomal recessive limb-girdle muscular dystrophy type 2J (LGMDR10). Also called: MUSCULAR DYSTROPHY, LIMB-GIRDLE, AUTOSOMAL RECESSIVE 10; Limb-girdle muscular dystrophy, type 2J. Identifiers: Orphanet 140922, MedGen C1837342, MONDO:0012127, OMIM 608807.
Tibial muscular dystrophy (TMD). Also called: Tibial muscular dystrophy, tardive; Udd Distal Myopathy – Tibial Muscular Dystrophy; UDD MYOPATHY. Identifiers: Orphanet 609, MedGen C1838244, MONDO:0010870, OMIM 600334.
Myopathy, myofibrillar, 9, with early respiratory failure (MFM9). Also called: Myopathy, distal, with early respiratory failure, autosomal dominant; EDSTROM MYOPATHY; MYOPATHY, PROXIMAL, WITH EARLY RESPIRATORY MUSCLE INVOLVEMENT; Hereditary myopathy with early respiratory failure. Identifiers: Orphanet 178464, Orphanet 34521, MedGen C1863599, MONDO:0011362, OMIM 603689.
Dilated cardiomyopathy 1G (CMD1G). Identifiers: Orphanet 154, MedGen C1858763, MONDO:0011400, OMIM 604145.
Early-onset myopathy with fatal cardiomyopathy (CMYO5). Also called: CONGENITAL MYOPATHY 5 WITH CARDIOMYOPATHY; Salih Myopathy. Identifiers: Orphanet 289377, MedGen C2673677, MONDO:0012714, OMIM 611705. Disease mechanism: loss of function.
Hypertrophic cardiomyopathy 9. Also called: Familial hypertrophic cardiomyopathy 9. Identifiers: MedGen C1861065, MONDO:0013412, OMIM 613765.

Allele frequency attached by ClinVar (database versions not stated): gnomAD exomes 0.00001; TOPMed 0.00001.
gnomAD v4.1: 9 of 1,558,994 alleles (0.00058%); highest among the groups gnomAD compares: Admixed American, 0.0019%; no homozygotes.

Submissions (3):

Revvity Omics, Revvity
Classification: Uncertain significance. Last evaluated: 2024-03-05. Review status: criteria provided, single submitter. Criteria: ACMG Guidelines, 2015. Collection method: clinical testing. Allele origin: germline.

Fulgent Genetics
Classification: Uncertain significance for Tibial muscular dystrophy; Myopathy, myofibrillar, 9, with early respiratory failure; Dilated cardiomyopathy 1G; Autosomal recessive limb-girdle muscular dystrophy type 2J; Early-onset myopathy with fatal cardiomyopathy; Hypertrophic cardiomyopathy 9. Last evaluated: 2021-09-08. Review status: criteria provided, single submitter. Criteria: ACMG Guidelines, 2015. Collection method: clinical testing. Allele origin: unknown.

Laboratory for Molecular Medicine, Mass General Brigham Personalized Medicine
Classification: Uncertain significance. Last evaluated: 2018-09-05. Review status: criteria provided, single submitter. Criteria: LMM Criteria. Collection method: clinical testing. Allele origin: germline. Observed: 1 variant allele.
Comment: proposed classification - variant undergoing re-assessment, contact laboratory